The following is an entry in ClinVar:

ClinVar aggregate classification (germline): Uncertain significance (1 of 4 stars; one submission).

gnomAD v4.1: 7 of 1,612,670 alleles (0.00043%); highest among the groups gnomAD compares: East Asian, 0.011%; no homozygotes.

Submission:

Labcorp Genetics (formerly Invitae), Labcorp
Classification: Uncertain significance. Last evaluated: 2024-08-09. Review status: criteria provided, single submitter. Criteria: Invitae Variant Classification Sherloc (09022015). Collection method: clinical testing. Allele origin: germline.
Comment: This sequence change replaces serine, which is neutral and polar, with leucine, which is neutral and non-polar, at codon 1843 of the MPDZ protein (p.Ser1843Leu). This variant is present in population databases (rs756019730, gnomAD 0.003%). This variant has not been reported in the literature in individuals affected with MPDZ-related conditions. An algorithm developed to predict the effect of missense changes on protein structure and function (PolyPhen-2) suggests that this variant is likely to be disruptive. In summary, the available evidence is currently insufficient to determine the role of this variant in disease. Therefore, it has been classified as a Variant of Uncertain Significance.

NM_001378778.1(MPDZ):c.5615C>T (p.Ser1872Leu)

Gene: MPDZ (multiple PDZ domain crumbs cell polarity complex component; minus strand). Cytogenetic location: 9p23.
Variant type: single nucleotide variant.
Coding change: c.5615C>T on transcript NM_001378778.1 (MANE Select); coding-DNA position 5615, C replaced by T.
Protein change: p.Ser1872Leu; replaces serine 1872 with leucine.
Molecular consequence: missense variant.
Genome position (GRCh38, 1-based): chr9:13,112,133, G>A on the plus strand (C>T on the coding strand, the complement: MPDZ is on the minus strand). VCF-style: chr9-13112133-G-A. GRCh37 (hg19) VCF-style: chr9-13112132-G-A.
Other names: c.5516C>T, p.Ser1839Leu (NM_001261406.2, NM_001375416.1, NM_001375417.1 and 1 more transcripts); c.5429C>T, p.Ser1810Leu (NM_001261407.2, NM_001375419.1); c.5615C>T, p.Ser1872Leu (NM_001330637.2); c.5714C>T, p.Ser1905Leu (NM_001375413.1); c.5405C>T, p.Ser1802Leu (NM_001375420.1, NM_001375421.1, NM_001375422.1 and 2 more transcripts); c.5318C>T, p.Ser1773Leu (NM_001375425.1, NM_001375426.1); c.5207C>T, p.Ser1736Leu (NM_001375427.1); c.5528C>T, p.Ser1843Leu (NM_003829.5); short protein forms S1736L, S1802L, S1839L, S1843L, S1872L, S1905L, S1773L, S1810L.
Identifiers: ClinVar variation 3670205 (VCV003670205.2).
Genomic context (GRCh38, chr9:13,112,133, plus strand): 5'-ATAAATATAGGCACATCACCAAGTGGGCTGCCTACTCCTCCAGCGATGCTGATTCCCAGT[G>A]AGTCAGTAGGGCCCTGCCATGGAACAGATATAAAATTTTGGTCAAAGTGATATTTTTCAT-3'
Protein context (NP_001365707.1, residues 1862-1882): TVEMKKGPTD[Ser1872Leu]LGISIAGGVG